The following is an entry in ClinVar:

NM_001378687.1(ATP2C1):c.1839+2T>C

Gene: ATP2C1 (ATPase secretory pathway Ca2+ transporting 1; plus strand). Cytogenetic location: 3q22.1.
Variant type: single nucleotide variant.
Coding change: c.1839+2T>C on transcript NM_001378687.1 (MANE Select); the canonical splice donor site of the intron after coding-DNA position 1839, T replaced by C.
Molecular consequence: splice donor variant.
Genome position (GRCh38, 1-based): chr3:130,980,681, T>C. VCF-style: chr3-130980681-T-C. GRCh37 (hg19) VCF-style: chr3-130699525-T-C.
Other names: c.1941+2T>C (NM_001378511.1, NM_001199180.2, NM_001199181.3); c.1824+2T>C (NM_001199182.2); c.1839+2T>C (NM_001001486.2, NM_001001487.2, NM_001001485.3 and 5 more transcripts); c.1791+2T>C (NM_001378514.1, NM_001199183.2, NM_001199184.3).
Identifiers: ClinVar variation 2113397 (VCV002113397.4), dbSNP rs893418743, ClinGen allele CA83489560.

ClinVar aggregate classification (germline): Likely pathogenic (1 of 4 stars; one submission).

Allele frequency attached by ClinVar (database versions not stated): gnomAD 0.00001; TOPMed 0.00001.
gnomAD v4.1: 2 of 1,609,642 alleles (0.00012%); highest among the groups gnomAD compares: African/African-American, 0.0013%; no homozygotes.

Submission:

Labcorp Genetics (formerly Invitae), Labcorp
Classification: Likely pathogenic. Last evaluated: 2022-03-18. Review status: criteria provided, single submitter. Criteria: Invitae Variant Classification Sherloc (09022015). Collection method: clinical testing. Allele origin: germline.
Comment: This sequence change affects a donor splice site in intron 19 of the ATP2C1 gene. It is expected to disrupt RNA splicing. Variants that disrupt the donor or acceptor splice site typically lead to a loss of protein function (PMID: 16199547), and loss-of-function variants in ATP2C1 are known to be pathogenic (PMID: 10615129, 10767338, 11841554). This variant is not present in population databases (gnomAD no frequency). Disruption of this splice site has been observed in individual(s) with Hailey-Hailey disease (Invitae). Algorithms developed to predict the effect of sequence changes on RNA splicing suggest that this variant may disrupt the consensus splice site. In summary, the currently available evidence indicates that the variant is pathogenic, but additional data are needed to prove that conclusively. Therefore, this variant has been classified as Likely Pathogenic.

Literature cited by the submitters: PubMed 16199547; PubMed 10615129; PubMed 10767338; PubMed 11841554.